The following is an entry in ClinVar:

NM_001015877.2(PHF6):c.769A>G (p.Arg257Gly)

Gene: PHF6 (PHD finger protein 6; plus strand). Cytogenetic location: Xq26.2.
Variant type: single nucleotide variant.
Coding change: c.769A>G on transcript NM_001015877.2 (MANE Select); coding-DNA position 769, A replaced by G.
Protein change: p.Arg257Gly; replaces arginine 257 with glycine.
Molecular consequence: missense variant.
Genome position (GRCh38, 1-based): chrX:134,415,055, A>G. VCF-style: chrX-134415055-A-G. GRCh37 (hg19) VCF-style: chrX-133549085-A-G.
Other names: c.769A>G (NM_032458.2); c.772A>G, p.Arg258Gly (LRG_629t2, NM_032335.3); c.769A>G, p.Arg257Gly (LRG_629t1, NM_032458.3); short protein forms R257G, R258G.
Identifiers: ClinVar variation 11069 (VCV000011069.2), dbSNP rs104894919, ClinGen allele CA121340.

ClinVar aggregate classification (germline): Pathogenic. Review status: criteria provided, single submitter (1 of 4 stars). 2 submissions from 2 submitters: Pathogenic (1). 1 of the submissions does not count toward it. Last evaluated 2023-08-02.

Conditions:
Borjeson-Forssman-Lehmann syndrome (BFLS). Also called: MENTAL RETARDATION, X-LINKED, SYNDROMIC, BORJESON-FORSSMAN-LEHMANN TYPE; MENTAL RETARDATION, EPILEPSY, AND ENDOCRINE DISORDERS; BORJESON SYNDROME. Identifiers: Orphanet 127, MedGen C0265339, MONDO:0010537, OMIM 301900.

Submissions (2):

GeneDx
Classification: Pathogenic. Last evaluated: 2023-08-02. Review status: criteria provided, single submitter. Criteria: GeneDx Variant Classification Process June 2021. Collection method: clinical testing. Allele origin: germline. Affected: yes.
Comment: Not observed at significant frequency in large population cohorts (gnomAD); In silico analysis supports that this missense variant has a deleterious effect on protein structure/function; This variant is associated with the following publications: (PMID: 24554700, 15580208, 22190899, 12415272, 15466013, 35904121, 27633282)

OMIM
Classification: Pathogenic for BORJESON-FORSSMAN-LEHMANN SYNDROME. Last evaluated: 2004-10-01. Review status: no assertion criteria provided. Collection method: literature only. Allele origin: germline. Not counted in ClinVar's aggregate classification.

Literature cited by the submitters: PubMed 12415272 (cited by OMIM); PubMed 15466013 (cited by OMIM).